The following is an entry in ClinVar:

NM_000051.4(ATM):c.6330C>T (p.Asp2110=)

Genes: C11orf65 (chromosome 11 open reading frame 65; minus strand), ATM (ATM serine/threonine kinase; plus strand). Cytogenetic location: 11q22.3.
Variant type: single nucleotide variant.
Coding change: c.6330C>T on transcript NM_000051.4 (MANE Select); coding-DNA position 6330, C replaced by T.
Protein change: p.Asp2110=; no amino-acid change (aspartic acid 2110 retained).
Molecular consequence: synonymous variant. On other transcripts: intron variant (2).
Genome position (GRCh38, 1-based): chr11:108,317,504, C>T. VCF-style: chr11-108317504-C-T. GRCh37 (hg19) VCF-style: chr11-108188231-C-T.
Other names: c.6330C>T, p.Asp2110= (NM_001351834.2); c.641-8433G>A (NM_001330368.2); c.*39-8433G>A (NM_001351110.2).
Identifiers: ClinVar variation 215588 (VCV000215588.27), dbSNP rs759029705, ClinGen allele CA337733.

ClinVar aggregate classification (germline): Benign/Likely benign. Review status: criteria provided, multiple submitters, no conflicts (2 of 4 stars). 9 submissions from 9 submitters: Benign (1); Likely benign (8). Last evaluated 2025-12-22.

Conditions:
ATM-related cancer predisposition. Also called: ATM-related cancer susceptibility. Identifiers: MedGen CN377759, MONDO:0700270.
Breast and/or ovarian cancer. Identifiers: MedGen CN221562.
Hereditary cancer-predisposing syndrome. Also called: Neoplastic Syndromes, Hereditary; Hereditary neoplastic syndrome; Tumor predisposition; Hereditary Cancer Syndrome. Identifiers: Orphanet 140162, MedGen C0027672, MeSH D009386, MONDO:0015356.
Familial cancer of breast. Also called: hereditary breast carcinoma; Hereditary breast cancer; BREAST CANCER, FAMILIAL. Identifiers: Orphanet 227535, MedGen C0346153, MONDO:0016419, OMIM 114480. Disease mechanism: loss of function.
Ataxia-telangiectasia syndrome (AT). Also called: Ataxia telangiectasia (A-T); Cerebello-oculocutaneous telangiectasia; Immunodeficiency with ataxia telangiectasia; LOUIS-BAR SYNDROME; AT, COMPLEMENTATION GROUP C; ATAXIA-TELANGIECTASIA, FRESNO VARIANT. Identifiers: Orphanet 100, MedGen C0004135, MONDO:0008840, OMIM 208900.

Allele frequency attached by ClinVar (database versions not stated): TOPMed 0.00002; gnomAD 0.00001 and below 0.00001.
gnomAD v4.1: 6 of 1,609,526 alleles (0.00037%); highest among the groups gnomAD compares: Middle Eastern, 0.016%; no homozygotes.

Submissions (9):

Labcorp Genetics (formerly Invitae), Labcorp
Classification: Likely benign for Ataxia-telangiectasia syndrome. Last evaluated: 2025-12-22. Review status: criteria provided, single submitter. Criteria: Invitae Variant Classification Sherloc (09022015). Collection method: clinical testing. Allele origin: germline.

Myriad Genetics, Inc.
Classification: Benign for Familial cancer of breast. Last evaluated: 2024-06-05. Review status: criteria provided, single submitter. Criteria: Myriad Autosomal Dominant, Autosomal Recessive and X-Linked Classification Criteria (2023). Collection method: clinical testing. Allele origin: unknown.
Comment: This variant is considered benign. This variant is a silent/synonymous amino acid change and it is not expected to impact splicing.

Department of Pathology and Laboratory Medicine, Sinai Health System
Classification: Likely benign for ATM-related cancer predisposition. Last evaluated: 2024-04-29. Review status: criteria provided, single submitter. Criteria: ACMG Guidelines, 2015. Collection method: clinical testing. Allele origin: germline. Affected: yes.

CHEO Genetics Diagnostic Laboratory, Children's Hospital of Eastern Ontario
Classification: Likely benign for Breast and/or ovarian cancer. Last evaluated: 2021-02-23. Review status: criteria provided, single submitter. Criteria: ACMG Guidelines, 2015. Collection method: clinical testing. Allele origin: germline.

Blueprint Genetics
Classification: Likely benign. Last evaluated: 2020-11-03. Review status: criteria provided, single submitter. Criteria: ACMG Guidelines, 2015. Collection method: clinical testing. Allele origin: germline.

Women's Health and Genetics/Laboratory Corporation of America, LabCorp
Classification: Likely benign. Last evaluated: 2019-08-21. Review status: criteria provided, single submitter. Criteria: LabCorp Variant Classification Summary - May 2015. Collection method: clinical testing. Allele origin: germline.

GeneDx
Classification: Likely benign. Last evaluated: 2018-07-25. Review status: criteria provided, single submitter. Criteria: GeneDx Variant Classification Process June 2021. Collection method: clinical testing. Allele origin: germline. Affected: yes.

Ambry Genetics
Classification: Likely benign for Hereditary cancer-predisposing syndrome. Last evaluated: 2015-09-27. Review status: criteria provided, single submitter. Criteria: Ambry Variant Classification Scheme 2023. Collection method: clinical testing. Allele origin: germline.

Color Diagnostics, LLC DBA Color Health
Classification: Likely benign for Hereditary cancer-predisposing syndrome. Last evaluated: 2015-05-18. Review status: criteria provided, single submitter. Criteria: ACMG Guidelines, 2015. Collection method: clinical testing. Allele origin: germline.